The following is an entry in ClinVar:

NM_005188.4(CBL):c.1690C>T (p.Pro564Ser)

Gene: CBL (Cbl proto-oncogene; plus strand). Cytogenetic location: 11q23.3.
Variant type: single nucleotide variant.
Coding change: c.1690C>T on transcript NM_005188.4 (MANE Select); coding-DNA position 1690, C replaced by T.
Protein change: p.Pro564Ser; replaces proline 564 with serine.
Molecular consequence: missense variant.
Genome position (GRCh38, 1-based): chr11:119,285,315, C>T. VCF-style: chr11-119285315-C-T. GRCh37 (hg19) VCF-style: chr11-119156025-C-T.
Other names: short protein forms P564S.
Identifiers: ClinVar variation 3996072 (VCV003996072.2).
Genomic context (GRCh38, chr11:119,285,315, plus strand): 5'-CCACCACCGCCTCCAGACCGGCCATATTCTGTTGGAGCAGAATCCCGACCTCAAAGACGC[C>T]CCTTGCCTTGTACACCAGGCGACTGTCCCTCCAGAGACAAACTGCCCCCTGTCCCCTCTA-3'
Protein context (NP_005179.2, residues 554-574): VGAESRPQRR[Pro564Ser]LPCTPGDCPS

ClinVar aggregate classification (germline): Uncertain significance. Review status: criteria provided, multiple submitters, no conflicts (2 of 4 stars). 2 submissions from 2 submitters: Uncertain significance (2). Last evaluated 2025-05-27.

Conditions:
Cardiovascular phenotype. Identifiers: MedGen CN230736.

gnomAD v4.1: 1 of 1,614,150 alleles (0.000062%); highest among the groups gnomAD compares: Non-Finnish European, 0.000085%; no homozygotes.

Submissions (2):

Ambry Genetics
Classification: Uncertain significance for Cardiovascular phenotype. Last evaluated: 2025-05-27. Review status: criteria provided, single submitter. Criteria: Ambry Variant Classification Scheme 2023. Collection method: clinical testing. Allele origin: germline.
Comment: The p.P564S variant (also known as c.1690C>T), located in coding exon 11 of the CBL gene, results from a C to T substitution at nucleotide position 1690. The proline at codon 564 is replaced by serine, an amino acid with similar properties. This amino acid position is conserved. In addition, the in silico prediction for this alteration is inconclusive. Based on the available evidence, the clinical significance of this variant remains unclear.

Blueprint Genetics
Classification: Uncertain significance. Last evaluated: 2023-08-15. Review status: criteria provided, single submitter. Criteria: ACMG Guidelines, 2015. Collection method: clinical testing. Allele origin: germline.